The following is an entry in ClinVar:

NM_138694.4(PKHD1):c.4353dup (p.Pro1453fs)

Gene: PKHD1 (PKHD1 ciliary IPT domain containing fibrocystin/polyductin; minus strand). Cytogenetic location: 6p12.2.
Variant type: Duplication.
Coding change: c.4353dup on transcript NM_138694.4 (MANE Select); coding-DNA position 4353, one base duplicated (C; older notation c.4353dupC).
Protein change: p.Pro1453fs; shifts the reading frame from proline 1453.
Molecular consequence: frameshift variant.
Genome position (GRCh38, 1-based): chr6:52,025,457, G duplicated on the plus strand (C on the coding strand, the reverse complement: PKHD1 is on the minus strand); the first of 4 consecutive G bases (chr6:52,025,457-52,025,460); duplicating any one gives the same sequence. VCF-style (leftmost placement, unchanged base first): chr6-52025456-A-AG. GRCh37 (hg19) VCF-style: chr6-51890254-A-AG.
Other names: c.4353dup, p.Pro1453fs (NM_170724.3); short protein forms P1453fs.
Identifiers: ClinVar variation 4294438 (VCV004294438.1).

ClinVar aggregate classification (germline): Likely pathogenic (1 of 4 stars; one submission).

Conditions:
Polycystic kidney disease 4 (PKD4). Also called: POLYCYSTIC KIDNEY AND HEPATIC DISEASE 1; POLYCYSTIC KIDNEY DISEASE, INFANTILE, TYPE I; POLYCYSTIC KIDNEY DISEASE 4 WITH OR WITHOUT POLYCYSTIC LIVER DISEASE; PKD3; Autosomal Recessive Polycystic Kidney Disease – PKHD1. Identifiers: MedGen C4540575, MONDO:0033004, OMIM 263200.

Submission:

Molecular Genetics Department, Kulakov National Medical Research Center for Obstetrics, Gynecology and Perinatology
Classification: Likely pathogenic for Polycystic kidney disease 4. Review status: criteria provided, single submitter. Criteria: ACMG Guidelines, 2015. Collection method: clinical testing. Allele origin: germline. Affected: yes. Observed: 1 variant allele.
Comment: A previously undescribed heterozygous nucleotide variant creates a frameshift p.Pro1453AlafsTer53 in the PKHD1 gene. Homozygous and compound heterozygous variants are reported in patients with polycystic kidney disease 4, with or without hepatic disease, 263200. The variant is not present in population database (gnomAD no frequency). The variant is found in trans-position with the PKHD1 variant (NM_138694.4:c.3628+5G>C). In summary, the currently available evidence indicates that the variant is pathogenic, but additional data are needed to prove that conclusively. Therefore, this variant has been classified as likely pathogenic.